The following is an entry in ClinVar:

ClinVar aggregate classification (germline): Uncertain significance. Review status: criteria provided, multiple submitters, no conflicts (2 of 4 stars). 2 submissions from 2 submitters: Uncertain significance (2). Last evaluated 2024-03-20.

Conditions:
Hereditary cancer-predisposing syndrome. Also called: Neoplastic Syndromes, Hereditary; Hereditary Cancer Syndrome; Hereditary neoplastic syndrome; Tumor predisposition. Identifiers: Orphanet 140162, MedGen C0027672, MeSH D009386, MONDO:0015356.
Familial adenomatous polyposis 1 (FAP1). Also called: FAMILIAL ADENOMATOUS POLYPOSIS 1, ATTENUATED; POLYPOSIS, ADENOMATOUS INTESTINAL. Identifiers: MedGen C2713442, MONDO:0021056, OMIM 175100. Disease mechanism: loss of function.

Submissions (2):

Ambry Genetics
Classification: Uncertain significance for Hereditary cancer-predisposing syndrome. Last evaluated: 2024-03-20. Review status: criteria provided, single submitter. Criteria: Ambry Variant Classification Scheme 2023. Collection method: clinical testing. Allele origin: germline.
Comment: The p.I2135T variant (also known as c.6404T>C), located in coding exon 15 of the APC gene, results from a T to C substitution at nucleotide position 6404. The isoleucine at codon 2135 is replaced by threonine, an amino acid with similar properties. This amino acid position is well conserved in available vertebrate species. In addition, in silico predictors for this gene do not accurately predict pathogenicity. Based on the available evidence, the clinical significance of this alteration remains unclear.

Labcorp Genetics (formerly Invitae), Labcorp
Classification: Uncertain significance for Familial adenomatous polyposis 1. Last evaluated: 2023-04-12. Review status: criteria provided, single submitter. Criteria: Invitae Variant Classification Sherloc (09022015). Collection method: clinical testing. Allele origin: germline.
Comment: This variant has not been reported in the literature in individuals affected with APC-related conditions. This variant is not present in population databases (gnomAD no frequency). This sequence change replaces isoleucine, which is neutral and non-polar, with threonine, which is neutral and polar, at codon 2135 of the APC protein (p.Ile2135Thr). In summary, the available evidence is currently insufficient to determine the role of this variant in disease. Therefore, it has been classified as a Variant of Uncertain Significance. Advanced modeling of protein sequence and biophysical properties (such as structural, functional, and spatial information, amino acid conservation, physicochemical variation, residue mobility, and thermodynamic stability) performed at Invitae indicates that this missense variant is not expected to disrupt APC protein function.

NM_000038.6(APC):c.6404T>C (p.Ile2135Thr)

Gene: APC (APC regulator of Wnt signaling pathway; plus strand). Cytogenetic location: 5q22.2.
Variant type: single nucleotide variant.
Coding change: c.6404T>C on transcript NM_000038.6 (MANE Select); coding-DNA position 6404, T replaced by C.
Protein change: p.Ile2135Thr; replaces isoleucine 2135 with threonine.
Molecular consequence: missense variant. On other transcripts: non-coding transcript variant (2).
Genome position (GRCh38, 1-based): chr5:112,841,998, T>C. VCF-style: chr5-112841998-T-C. GRCh37 (hg19) VCF-style: chr5-112177695-T-C.
Other names: c.6404T>C (NM_000038.5); c.6404T>C, p.Ile2135Thr (NM_001127510.3, NM_001354895.2, NM_001407450.1); c.6350T>C, p.Ile2117Thr (NM_001127511.3); c.6458T>C, p.Ile2153Thr (NM_001354896.2, NM_001407447.1, NM_001407448.1 and 1 more transcripts); c.6434T>C, p.Ile2145Thr (NM_001354897.2); c.6329T>C, p.Ile2110Thr (NM_001354898.2); c.6320T>C, p.Ile2107Thr (NM_001354899.2); c.6281T>C, p.Ile2094Thr (NM_001354900.2); and 12 more; short protein forms I1975T, I2044T, I2052T, I2076T, I2117T, I2125T, I2135T, I2153T.
Identifiers: ClinVar variation 2870505 (VCV002870505.4), dbSNP rs2149964117, ClinGen allele CA16035353.
Genomic context (GRCh38, chr5:112,841,998, plus strand): 5'-TACATCAAGCTGCTGCTGCTGCATGTTTATCTAGACAAGCTTCGTCTGATTCAGATTCCA[T>C]CCTTTCCCTGAAATCAGGAATCTCTCTGGGATCACCATTTCATCTTACACCTGATCAAGA-3'
Protein context (NP_000029.2, residues 2125-2145): SRQASSDSDS[Ile2135Thr]LSLKSGISLG